The following is an entry in ClinVar:

NM_001042492.3(NF1):c.1770G>C (p.Met590Ile)

Gene: NF1 (neurofibromin 1; plus strand). Cytogenetic location: 17q11.2.
Variant type: single nucleotide variant.
Coding change: c.1770G>C on transcript NM_001042492.3 (MANE Select); coding-DNA position 1770, G replaced by C.
Protein change: p.Met590Ile; replaces methionine 590 with isoleucine.
Molecular consequence: missense variant.
Genome position (GRCh38, 1-based): chr17:31,223,492, G>C. VCF-style: chr17-31223492-G-C. GRCh37 (hg19) VCF-style: chr17-29550510-G-C.
Other names: c.1770G>C, p.Met590Ile (NM_000267.4); short protein forms M590I.
Identifiers: ClinVar variation 1055798 (VCV001055798.6), dbSNP rs2144016315, ClinGen allele CA399004246.

ClinVar aggregate classification (germline): Uncertain significance. Review status: criteria provided, multiple submitters, no conflicts (2 of 4 stars). 2 submissions from 2 submitters: Uncertain significance (2). Last evaluated 2025-06-01.

Conditions:
Cardiovascular phenotype. Identifiers: MedGen CN230736.
Hereditary cancer-predisposing syndrome. Also called: Hereditary Cancer Syndrome; Tumor predisposition; Hereditary neoplastic syndrome; Neoplastic Syndromes, Hereditary. Identifiers: Orphanet 140162, MedGen C0027672, MeSH D009386, MONDO:0015356.
Neurofibromatosis, type 1 (NF1). Also called: Peripheral type neurofibromatosis; Neurofibromatosis, type I; VON RECKLINGHAUSEN DISEASE; NEUROFIBROMATOSIS, TYPE I, SOMATIC. Identifiers: Orphanet 636, MedGen C0027831, MONDO:0018975, OMIM 162200. Disease mechanism: loss of function.

gnomAD v4.1: 1 of 1,613,050 alleles (0.000062%); no homozygotes.

Submissions (2):

Ambry Genetics
Classification: Uncertain significance for Cardiovascular phenotype; Hereditary cancer-predisposing syndrome. Last evaluated: 2025-06-01. Review status: criteria provided, single submitter. Criteria: Ambry Variant Classification Scheme 2023. Collection method: clinical testing. Allele origin: germline.
Comment: The p.M590I variant (also known as c.1770G>C), located in coding exon 16 of the NF1 gene, results from a G to C substitution at nucleotide position 1770. The methionine at codon 590 is replaced by isoleucine, an amino acid with highly similar properties. This amino acid position is conserved. In addition, this alteration is predicted to be tolerated by in silico analysis. Based on the available evidence, the clinical significance of this variant remains unclear.

Labcorp Genetics (formerly Invitae), Labcorp
Classification: Uncertain significance for Neurofibromatosis, type 1. Last evaluated: 2022-09-06. Review status: criteria provided, single submitter. Criteria: Invitae Variant Classification Sherloc (09022015). Collection method: clinical testing. Allele origin: germline.
Comment: In summary, the available evidence is currently insufficient to determine the role of this variant in disease. Therefore, it has been classified as a Variant of Uncertain Significance. Advanced modeling of protein sequence and biophysical properties (such as structural, functional, and spatial information, amino acid conservation, physicochemical variation, residue mobility, and thermodynamic stability) performed at Invitae indicates that this missense variant is not expected to disrupt NF1 protein function. ClinVar contains an entry for this variant (Variation ID: 1055798). This variant has not been reported in the literature in individuals affected with NF1-related conditions. This variant is not present in population databases (gnomAD no frequency). This sequence change replaces methionine, which is neutral and non-polar, with isoleucine, which is neutral and non-polar, at codon 590 of the NF1 protein (p.Met590Ile).